The following is an entry in ClinVar:

ClinVar aggregate classification (germline): Uncertain significance (1 of 4 stars; one submission).

Conditions:
Inborn genetic diseases. Identifiers: MedGen C0950123, MeSH D030342.

Submission:

Ambry Genetics
Classification: Uncertain significance for Inborn genetic diseases. Last evaluated: 2023-04-05. Review status: criteria provided, single submitter. Criteria: Ambry Variant Classification Scheme 2023. Collection method: clinical testing. Allele origin: germline.
Comment: The p.Y1894C variant (also known as c.5681A>G), located in coding exon 33 of the ATR gene, results from an A to G substitution at nucleotide position 5681. The tyrosine at codon 1894 is replaced by cysteine, an amino acid with highly dissimilar properties. This amino acid position is conserved. In addition, the in silico prediction for this alteration is inconclusive. Since supporting evidence is limited at this time, the clinical significance of this alteration remains unclear.

NM_001184.4(ATR):c.5681A>G (p.Tyr1894Cys)

Gene: ATR (ATR checkpoint kinase; minus strand). Cytogenetic location: 3q23.
Variant type: single nucleotide variant.
Coding change: c.5681A>G on transcript NM_001184.4 (MANE Select); coding-DNA position 5681, A replaced by G.
Protein change: p.Tyr1894Cys; replaces tyrosine 1894 with cysteine.
Molecular consequence: missense variant.
Genome position (GRCh38, 1-based): chr3:142,497,070, T>C on the plus strand (A>G on the coding strand, the complement: ATR is on the minus strand). VCF-style: chr3-142497070-T-C. GRCh37 (hg19) VCF-style: chr3-142215912-T-C.
Other names: c.5489A>G, p.Tyr1830Cys (NM_001354579.2); short protein forms Y1830C, Y1894C.
Identifiers: ClinVar variation 2567796 (VCV002567796.2), dbSNP rs2108335927, ClinGen allele CA354814586.